The following is an entry in ClinVar:

ClinVar aggregate classification (germline): Uncertain significance. Review status: criteria provided, multiple submitters, no conflicts (2 of 4 stars). 2 submissions from 2 submitters: Uncertain significance (2). Last evaluated 2022-09-26.

Conditions:
Primary ciliary dyskinesia. Also called: Ciliary dyskinesia. Identifiers: Orphanet 244, MedGen C0008780, MONDO:0016575, HP:0012265.

Submissions (2):

Ambry Genetics
Classification: Uncertain significance for Primary ciliary dyskinesia. Last evaluated: 2022-09-26. Review status: criteria provided, single submitter. Criteria: Ambry Variant Classification Scheme 2023. Collection method: clinical testing. Allele origin: germline.

Labcorp Genetics (formerly Invitae), Labcorp
Classification: Uncertain significance for Primary ciliary dyskinesia. Last evaluated: 2022-04-11. Review status: criteria provided, single submitter. Criteria: Invitae Variant Classification Sherloc (09022015). Collection method: clinical testing. Allele origin: germline.
Comment: In summary, the available evidence is currently insufficient to determine the role of this variant in disease. Therefore, it has been classified as a Variant of Uncertain Significance. Algorithms developed to predict the effect of missense changes on protein structure and function output the following: SIFT: "Tolerated"; PolyPhen-2: "Benign"; Align-GVGD: "Class C0". The serine amino acid residue is found in multiple mammalian species, which suggests that this missense change does not adversely affect protein function. This variant has not been reported in the literature in individuals affected with CCDC40-related conditions. This variant is not present in population databases (gnomAD no frequency). This sequence change replaces proline, which is neutral and non-polar, with serine, which is neutral and polar, at codon 232 of the CCDC40 protein (p.Pro232Ser).

NM_017950.4(CCDC40):c.694C>T (p.Pro232Ser)

Gene: CCDC40 (coiled-coil domain 40 molecular ruler complex subunit; plus strand). Cytogenetic location: 17q25.3.
Variant type: single nucleotide variant.
Coding change: c.694C>T on transcript NM_017950.4 (MANE Select); coding-DNA position 694, C replaced by T.
Protein change: p.Pro232Ser; replaces proline 232 with serine.
Molecular consequence: missense variant.
Genome position (GRCh38, 1-based): chr17:80,048,600, C>T. VCF-style: chr17-80048600-C-T. GRCh37 (hg19) VCF-style: chr17-78022399-C-T.
Other names: c.694C>T, p.Pro232Ser (NM_001243342.2, NM_001330508.2); c.694C>T (NM_017950.3); short protein forms P232S.
Identifiers: ClinVar variation 2142743 (VCV002142743.5), dbSNP rs2510289266, ClinGen allele CA401353513.